The following is an entry in ClinVar:

ClinVar aggregate classification (germline): Likely benign (0 of 4 stars; one submission).

Conditions:
LMNA-related disorder. Also called: LMNA-related disease; LMNA-related condition; LMNA-related disorders. Identifiers: MedGen CN380145.

Allele frequency attached by ClinVar (database versions not stated): gnomAD 0.00004; TOPMed 0.00004; ExAC 0.00010.
gnomAD v4.1: 257 of 1,303,316 alleles (0.02%); highest among the groups gnomAD compares: Non-Finnish European, 0.026%; no homozygotes.

Submission:

PreventionGenetics, part of Exact Sciences
Classification: Likely benign for LMNA-related condition. Last evaluated: 2019-07-03. Review status: no assertion criteria provided. Collection method: clinical testing. Allele origin: germline.
Comment: This variant is classified as likely benign based on ACMG/AMP sequence variant interpretation guidelines (Richards et al. 2015 PMID: 25741868, with internal and published modifications).

NM_170707.4(LMNA):c.936+49G>C

Gene: LMNA (lamin A/C; plus strand). Cytogenetic location: 1q22.
Variant type: single nucleotide variant.
Coding change: c.936+49G>C on transcript NM_170707.4 (MANE Select); 49 bases into the intron after coding-DNA position 936, G replaced by C.
Molecular consequence: intron variant.
Genome position (GRCh38, 1-based): chr1:156,135,361, G>C. VCF-style: chr1-156135361-G-C. GRCh37 (hg19) VCF-style: chr1-156105152-G-C.
Other names: c.378+49G>C (NM_001406990.1, NM_001406996.1, NM_001406997.1 and 4 more transcripts); c.936+49G>C (NM_005572.4, NM_001406983.1, NM_001282625.2 and 6 more transcripts); c.693+49G>C (NM_001406987.1, NM_001282624.2, NM_001406986.1); c.600+49G>C (NM_001406989.1, NM_001257374.3, NM_001406998.1); c.639+49G>C (NM_001406988.1); c.272+49G>C (NM_001407001.1, NM_001406999.1, NM_001407000.1 and 1 more transcripts).
Identifiers: ClinVar variation 3034505 (VCV003034505.2), dbSNP rs764019848, ClinGen allele CA054769.